The following is an entry in ClinVar:

NM_000709.4(BCKDHA):c.1153C>T (p.Gln385Ter)

Gene: BCKDHA (branched chain keto acid dehydrogenase E1 subunit alpha; plus strand). Cytogenetic location: 19q13.2.
Variant type: single nucleotide variant.
Coding change: c.1153C>T on transcript NM_000709.4 (MANE Select); coding-DNA position 1153, C replaced by T.
Protein change: p.Gln385Ter; replaces glutamine 385 with a stop codon.
Molecular consequence: nonsense.
Genome position (GRCh38, 1-based): chr19:41,423,155, C>T. VCF-style: chr19-41423155-C-T. GRCh37 (hg19) VCF-style: chr19-41929060-C-T.
Other names: c.1150C>T, p.Gln384Ter (NM_001164783.2); short protein forms Q385*, Q384*.
Identifiers: ClinVar variation 5003678 (VCV005003678.1).

ClinVar aggregate classification (germline): Pathogenic (1 of 4 stars; one submission).

Conditions:
Maple syrup urine disease type 1A (MSUD1A). Also called: MSUD type 1A. Identifiers: MedGen C1855369, MONDO:0023691, OMIM 248600.

Submission:

Myriad Genetics, Inc.
Classification: Pathogenic for Maple syrup urine disease type 1A. Last evaluated: 2025-12-23. Review status: criteria provided, single submitter. Criteria: Myriad Autosomal Dominant, Autosomal Recessive and X-Linked Classification Criteria (2023). Collection method: clinical testing. Allele origin: unknown.
Comment: NM_000709.3(BCKDHA):c.1153C>T(Q385*) is a nonsense variant classified as pathogenic in the context of maple syrup urine disease type Ia. Q385* has not been observed in cases with relevant disease. Relevant functional assessments of this variant are not available in the literature. Q385* has not been observed in referenced population frequency databases. In summary, NM_000709.3(BCKDHA):c.1153C>T(Q385*) is a nonsense variant in a gene where loss of function is a known mechanism of disease and is predicted to disrupt protein function. Please note: this variant was assessed in the context of healthy population screening.